The following is an entry in ClinVar:

NM_022039.4(FBXW4):c.134C>T (p.Ala45Val)

Gene: FBXW4 (F-box and WD repeat domain containing 4; minus strand). Cytogenetic location: 10q24.32.
Variant type: single nucleotide variant.
Coding change: c.134C>T on transcript NM_022039.4 (MANE Select); coding-DNA position 134, C replaced by T.
Protein change: p.Ala45Val; replaces alanine 45 with valine.
Molecular consequence: missense variant. On other transcripts: non-coding transcript variant (1), intron variant (1).
Genome position (GRCh38, 1-based): chr10:101,694,972, G>A on the plus strand (C>T on the coding strand, the complement: FBXW4 is on the minus strand). VCF-style: chr10-101694972-G-A. GRCh37 (hg19) VCF-style: chr10-103454729-G-A.
Other names: c.-2+268C>T (NM_001323541.2); short protein forms A45V.
Identifiers: ClinVar variation 298549 (VCV000298549.6), dbSNP rs557225276, ClinGen allele CA10630772.

ClinVar aggregate classification (germline): Likely benign. Review status: criteria provided, multiple submitters, no conflicts (2 of 4 stars). 2 submissions from 2 submitters: Likely benign (2). Last evaluated 2018-01-13.

Conditions:
Split hand-foot malformation 3. Also called: CHROMOSOME 10q24 DUPLICATION SYNDROME; SHSF3; Buttiens Fryns syndrome. Identifiers: Orphanet 1307, MedGen C1838652, MONDO:0009525, OMIM 246560.

Allele frequency attached by ClinVar (database versions not stated): 1000 Genomes Project 0.00120; 1000 Genomes Project 30x 0.00125; gnomAD 0.00351; TOPMed 0.00382; gnomAD exomes 0.00628.
gnomAD v4.1: 7,096 of 1,195,778 alleles (0.59%); highest among the groups gnomAD compares: Middle Eastern, 0.98%; 30 homozygotes.

Submissions (2):

Illumina Laboratory Services, Illumina
Classification: Likely benign for Split hand-foot malformation 3. Last evaluated: 2018-01-13. Review status: criteria provided, single submitter. Criteria: ICSL Variant Classification Criteria 13 December 2019. Collection method: clinical testing. Allele origin: germline.
Comment: This variant was observed in the ICSL laboratory as part of a predisposition screen in an ostensibly healthy population. It had not been previously curated by ICSL or reported in the Human Gene Mutation Database (HGMD: prior to June 1st, 2018), and was therefore a candidate for classification through an automated scoring system. Utilizing variant allele frequency, disease prevalence and penetrance estimates, and inheritance mode, an automated score was calculated to assess if this variant is too frequent to cause the disease. Based on the score and internal cut-off values, a variant classified as likely benign is not then subjected to further curation. The score for this variant resulted in a classification of likely benign for this disease.

Breakthrough Genomics
Classification: Likely benign. Review status: criteria provided, single submitter. Criteria: ACMG Guidelines, 2015. Collection method: not provided. Allele origin: germline. Inheritance: Unknown mechanism. Affected: yes.